The following is an entry in ClinVar:

ClinVar aggregate classification (germline): Likely benign. Review status: criteria provided, multiple submitters, no conflicts (2 of 4 stars). 3 submissions from 3 submitters: Likely benign (3). Last evaluated 2024-12-31.

Conditions:
Familial thoracic aortic aneurysm and aortic dissection (TAAD). Also called: Thoracic aortic aneurysms and dissections. Identifiers: Orphanet 91387, MedGen C4707243, MONDO:0019625.
Ehlers-Danlos syndrome, type 4 (EDSVASC). Also called: Ehlers-Danlos syndrome vascular type; Ehlers Danlos syndrome, ecchymotic type; Ehlers Danlos syndrome, arterial type; Ehlers Danlos syndrome, Sack-Barabas type; Ehlers-Danlos Syndrome Type IV. Identifiers: Orphanet 286, MedGen C0268338, MONDO:0017314, OMIM 130050.

Submissions (3):

Labcorp Genetics (formerly Invitae), Labcorp
Classification: Likely benign for Ehlers-Danlos syndrome, type 4. Last evaluated: 2024-12-31. Review status: criteria provided, single submitter. Criteria: Invitae Variant Classification Sherloc (09022015). Collection method: clinical testing. Allele origin: germline.

All of Us Research Program, National Institutes of Health
Classification: Likely benign for Ehlers-Danlos syndrome, type 4. Last evaluated: 2023-04-10. Review status: criteria provided, single submitter. Criteria: ACMG Guidelines, 2015. Collection method: clinical testing. Allele origin: germline. Inheritance: Autosomal dominant inheritance. Observed: 1 variant allele, 1 heterozygote.
Comment: This study involves interpretation of variants in research participants for the purpose of population health screening. Participant phenotype was not available at the time of variant classification. Additional details can be found in publication PMID: 35346344, PMCID: PMC8962531

Ambry Genetics
Classification: Likely benign for Familial thoracic aortic aneurysm and aortic dissection. Last evaluated: 2023-01-16. Review status: criteria provided, single submitter. Criteria: Ambry Variant Classification Scheme 2023. Collection method: clinical testing. Allele origin: germline.

NM_000090.4(COL3A1):c.2853G>A (p.Gly951=)

Gene: COL3A1 (collagen type III alpha 1 chain; plus strand). Cytogenetic location: 2q32.2.
Variant type: single nucleotide variant.
Coding change: c.2853G>A on transcript NM_000090.4 (MANE Select); coding-DNA position 2853, G replaced by A.
Protein change: p.Gly951=; no amino-acid change (glycine 951 retained).
Molecular consequence: synonymous variant.
Genome position (GRCh38, 1-based): chr2:189,004,286, G>A. VCF-style: chr2-189004286-G-A. GRCh37 (hg19) VCF-style: chr2-189869012-G-A.
Identifiers: ClinVar variation 2452333 (VCV002452333.5), dbSNP rs1576470773, ClinGen allele CA430312208.
Genomic context (GRCh38, chr2:189,004,286, plus strand): 5'-AGATGAGCTAAGTCTTCATTATCTGTATTAGGGAGCTCCAGGCCCACTTGGGATTGCTGG[G>A]ATCACTGGAGCACGGGGTCTTGCAGGACCACCAGGCATGCCAGGTCCTAGGGGAAGCCCT-3'
Protein context (NP_000081.2, residues 941-961): PGAPGPLGIA[Gly951=]ITGARGLAGP